The following is an entry in ClinVar:

NM_030665.4(RAI1):c.4818G>A (p.Ala1606=)

Gene: RAI1 (retinoic acid induced 1; plus strand). Cytogenetic location: 17p11.2.
Variant type: single nucleotide variant.
Coding change: c.4818G>A on transcript NM_030665.4 (MANE Select); coding-DNA position 4818, G replaced by A.
Protein change: p.Ala1606=; no amino-acid change (alanine 1606 retained).
Molecular consequence: synonymous variant.
Genome position (GRCh38, 1-based): chr17:17,797,766, G>A. VCF-style: chr17-17797766-G-A. GRCh37 (hg19) VCF-style: chr17-17701080-G-A.
Identifiers: ClinVar variation 588472 (VCV000588472.15), dbSNP rs544133243, ClinGen allele CA8419036.

ClinVar aggregate classification (germline): Likely benign. Review status: criteria provided, multiple submitters, no conflicts (2 of 4 stars). 4 submissions from 4 submitters: Likely benign (4). Last evaluated 2025-11-28.

Conditions:
Inborn genetic diseases. Identifiers: MedGen C0950123, MeSH D030342.
RAI1-related disorder. Also called: RAI1-related condition.

Allele frequency attached by ClinVar (database versions not stated): TOPMed 0.00013; 1000 Genomes Project 0.00020; 1000 Genomes Project 30x 0.00031.
gnomAD v4.1: 119 of 1,614,066 alleles (0.0074%); highest among the groups gnomAD compares: African/African-American, 0.025%; no homozygotes.

Submissions (4):

Labcorp Genetics (formerly Invitae), Labcorp
Classification: Likely benign. Last evaluated: 2025-11-28. Review status: criteria provided, single submitter. Criteria: Invitae Variant Classification Sherloc (09022015). Collection method: clinical testing. Allele origin: germline.

PreventionGenetics, part of Exact Sciences
Classification: Likely benign for RAI1-related condition. Last evaluated: 2025-03-17. Review status: criteria provided, single submitter. Criteria: ACMG Guidelines, 2015. Collection method: clinical testing. Allele origin: germline.
Comment: This variant is classified as likely benign based on ACMG/AMP sequence variant interpretation guidelines (Richards et al. 2015 PMID: 25741868, with internal and published modifications).

Blueprint Genetics
Classification: Likely benign. Last evaluated: 2024-10-03. Review status: criteria provided, single submitter. Criteria: ACMG Guidelines, 2015. Collection method: clinical testing. Allele origin: germline.

Ambry Genetics
Classification: Likely benign for Inborn genetic diseases. Last evaluated: 2016-11-23. Review status: criteria provided, single submitter. Criteria: Ambry Variant Classification Scheme 2023. Collection method: clinical testing. Allele origin: germline.